The following is an entry in ClinVar:

NM_004281.4(BAG3):c.844A>G (p.Arg282Gly)

Gene: BAG3 (BAG cochaperone 3; plus strand). Cytogenetic location: 10q26.11.
Variant type: single nucleotide variant.
Coding change: c.844A>G on transcript NM_004281.4 (MANE Select); coding-DNA position 844, A replaced by G.
Protein change: p.Arg282Gly; replaces arginine 282 with glycine.
Molecular consequence: missense variant.
Genome position (GRCh38, 1-based): chr10:119,672,591, A>G. VCF-style: chr10-119672591-A-G. GRCh37 (hg19) VCF-style: chr10-121432103-A-G.
Other names: short protein forms R282G.
Identifiers: ClinVar variation 1011211 (VCV001011211.11), dbSNP rs1847167969, ClinGen allele CA378295909.

ClinVar aggregate classification (germline): Uncertain significance. Review status: criteria provided, multiple submitters, no conflicts (2 of 4 stars). 2 submissions from 2 submitters: Uncertain significance (2). Last evaluated 2025-10-23.

Conditions:
Myofibrillar myopathy 6. Identifiers: Orphanet 199340, MedGen C2751831, MONDO:0013061, OMIM 612954.
Dilated cardiomyopathy 1HH (CMD1HH). Identifiers: Orphanet 154, MedGen C3151293, MONDO:0013479, OMIM 613881.
Cardiovascular phenotype. Identifiers: MedGen CN230736.

Allele frequency attached by ClinVar (database versions not stated): gnomAD exomes below 0.00001; TOPMed below 0.00001; gnomAD 0.00001.
gnomAD v4.1: 3 of 1,614,030 alleles (0.00019%); highest among the groups gnomAD compares: East Asian, 0.0022%; no homozygotes.

Submissions (2):

Ambry Genetics
Classification: Uncertain significance for Cardiovascular phenotype. Last evaluated: 2025-10-23. Review status: criteria provided, single submitter. Criteria: Ambry Variant Classification Scheme 2023. Collection method: clinical testing. Allele origin: germline.
Comment: The p.R282G variant (also known as c.844A>G), located in coding exon 3 of the BAG3 gene, results from an A to G substitution at nucleotide position 844. The arginine at codon 282 is replaced by glycine, an amino acid with dissimilar properties. This amino acid position is conserved. In addition, the in silico prediction for this alteration is inconclusive. Since supporting evidence is limited at this time, the clinical significance of this alteration remains unclear.

Labcorp Genetics (formerly Invitae), Labcorp
Classification: Uncertain significance for Dilated cardiomyopathy 1HH; Myofibrillar myopathy 6. Last evaluated: 2022-04-13. Review status: criteria provided, single submitter. Criteria: Invitae Variant Classification Sherloc (09022015). Collection method: clinical testing. Allele origin: germline.
Comment: In summary, the available evidence is currently insufficient to determine the role of this variant in disease. Therefore, it has been classified as a Variant of Uncertain Significance. Algorithms developed to predict the effect of missense changes on protein structure and function are either unavailable or do not agree on the potential impact of this missense change (SIFT: "Tolerated"; PolyPhen-2: "Probably Damaging"; Align-GVGD: "Class C0"). ClinVar contains an entry for this variant (Variation ID: 1011211). This variant has not been reported in the literature in individuals affected with BAG3-related conditions. This variant is not present in population databases (gnomAD no frequency). This sequence change replaces arginine, which is basic and polar, with glycine, which is neutral and non-polar, at codon 282 of the BAG3 protein (p.Arg282Gly).